The following is an entry in ClinVar:

NM_032608.7(MYO18B):c.3238C>G (p.Pro1080Ala)

Gene: MYO18B (myosin XVIIIB; plus strand). Cytogenetic location: 22q12.1.
Variant type: single nucleotide variant.
Coding change: c.3238C>G on transcript NM_032608.7 (MANE Select); coding-DNA position 3238, C replaced by G.
Protein change: p.Pro1080Ala; replaces proline 1080 with alanine.
Molecular consequence: missense variant.
Genome position (GRCh38, 1-based): chr22:25,843,764, C>G. VCF-style: chr22-25843764-C-G. GRCh37 (hg19) VCF-style: chr22-26239731-C-G.
Other names: c.3241C>G, p.Pro1081Ala (NM_001318245.2); short protein forms P1080A, P1081A.
Identifiers: ClinVar variation 2109324 (VCV002109324.4), dbSNP rs1178089282, ClinGen allele CA410997846.
Genomic context (GRCh38, chr22:25,843,764, plus strand): 5'-CCAGCACTCATGCCACCATGTCTGTTTCCAGGGTCCTCTGCCCTGCGGACCTGTGAGCAG[C>G]CCCTCCAGTGTGAGATTTTCCACCAGTTGGGATGGGACCCTGTGCGGTACGACCTCACGG-3'
Protein context (NP_115997.5, residues 1070-1090): GSSALRTCEQ[Pro1080Ala]LQCEIFHQLG

ClinVar aggregate classification (germline): Uncertain significance (1 of 4 stars; one submission).

Allele frequency attached by ClinVar (database versions not stated): gnomAD 0.00001; TOPMed 0.00001.
gnomAD v4.1: 1 of 1,613,690 alleles (0.000062%); highest among the groups gnomAD compares: African/African-American, 0.0013%; no homozygotes.

Submission:

Labcorp Genetics (formerly Invitae), Labcorp
Classification: Uncertain significance. Last evaluated: 2022-03-11. Review status: criteria provided, single submitter. Criteria: Invitae Variant Classification Sherloc (09022015). Collection method: clinical testing. Allele origin: germline.
Comment: This sequence change replaces proline, which is neutral and non-polar, with alanine, which is neutral and non-polar, at codon 1080 of the MYO18B protein (p.Pro1080Ala). This variant is present in population databases (no rsID available, gnomAD 0.01%). This variant has not been reported in the literature in individuals affected with MYO18B-related conditions. Algorithms developed to predict the effect of missense changes on protein structure and function are either unavailable or do not agree on the potential impact of this missense change (SIFT: "Not Available"; PolyPhen-2: "Benign"; Align-GVGD: "Not Available"). In summary, the available evidence is currently insufficient to determine the role of this variant in disease. Therefore, it has been classified as a Variant of Uncertain Significance.